The following is an entry in ClinVar:

ClinVar aggregate classification (germline): Pathogenic (3 of 4 stars; one submission).

Conditions:
Breast-ovarian cancer, familial, susceptibility to, 1 (BROVCA1). Also called: BRCA1 Hereditary Breast and Ovarian Cancer; OVARIAN CANCER, SUSCEPTIBILITY TO. Identifiers: Orphanet 145, MedGen C2676676, MONDO:0011450, OMIM 604370. Disease mechanism: loss of function.

Submission:

Evidence-based Network for the Interpretation of Germline Mutant Alleles (ENIGMA)
Classification: Pathogenic for Breast-ovarian cancer, familial, susceptibility to, 1. Last evaluated: 2017-12-15. Review status: reviewed by expert panel. Criteria: ENIGMA BRCA1/2 Classification Criteria (2017-06-29). Collection method: curation. Allele origin: germline. Study: ENIGMA.
Comment: Variant allele predicted to encode a truncated non-functional protein.

NM_007294.4(BRCA1):c.187_188del (p.Leu63fs)

Gene: BRCA1 (BRCA1 DNA repair associated; minus strand). Cytogenetic location: 17q21.31.
Variant type: Deletion.
Coding change: c.187_188del on transcript NM_007294.4 (MANE Select); coding-DNA positions 187 to 188, 2 bases deleted (TT; older notation c.187_188delTT).
Protein change: p.Leu63fs; shifts the reading frame from leucine 63.
Molecular consequence: frameshift variant. On other transcripts: non-coding transcript variant (1).
Genome position (GRCh38, 1-based): chr17:43,106,480-43,106,481, AA deleted on the plus strand (TT on the coding strand, the reverse complement: BRCA1 is on the minus strand); deleting any 2 consecutive bases within chr17:43,106,480-43,106,482 gives the same sequence; the c. name uses the placement nearest the transcript's 3' end. VCF-style (leftmost placement, unchanged base first): chr17-43106479-TAA-T. GRCh37 (hg19) VCF-style: chr17-41258496-TAA-T.
Other names: c.187_188delTT (NM_007294.3); c.-3_-2delTT (NM_001407571.1, NM_001407853.1, NM_001407879.1 and 58 more transcripts); c.186_187delTT, p.Leu63Metfs (NM_001407581.1, NM_001407582.1, NM_001407583.1 and 166 more transcripts); c.45_46delTT, p.Leu16Metfs (NM_001407692.1, NM_001407694.1, NM_001407695.1 and 98 more transcripts); c.46_47del, p.Leu16fs (NM_007297.4); c.187_188del, p.Leu63fs (NM_007299.4, NM_007300.4); short protein forms L63fs, L16fs.
Identifiers: ClinVar variation 548171 (VCV000548171.2), dbSNP rs1555597235, ClinGen allele CA658823839.
Genomic context (GRCh38, chr17:43,106,479, plus strand): 5'-GTTGCTTCCAACCTAGCATCATTACCAAATTATATACCTTTTGGTTATATCATTCTTACA[TAA>T]AGGACACTGTGAAGGCCCTTTCTTCTGGTTGAGAAGTTTCAGCATGCAAAATCTATAAAT-3'